The following is an entry in ClinVar:

ClinVar aggregate classification (germline): Uncertain significance. Review status: criteria provided, multiple submitters, no conflicts (2 of 4 stars). 3 submissions from 3 submitters: Uncertain significance (3). Last evaluated 2024-11-07.

Conditions:
Inborn genetic diseases. Identifiers: MedGen C0950123, MeSH D030342.

Allele frequency attached by ClinVar (database versions not stated): ExAC 0.00004; ESP Exome Variant Server 0.00008; gnomAD 0.00008.
gnomAD v4.1: 69 of 1,614,020 alleles (0.0043%); highest among the groups gnomAD compares: African/African-American, 0.011%; no homozygotes.

Submissions (3):

Ambry Genetics
Classification: Uncertain significance for Inborn genetic diseases. Last evaluated: 2024-11-07. Review status: criteria provided, single submitter. Criteria: Ambry Variant Classification Scheme 2023. Collection method: clinical testing. Allele origin: germline.

Blueprint Genetics
Classification: Uncertain significance. Last evaluated: 2024-07-10. Review status: criteria provided, single submitter. Criteria: ACMG Guidelines, 2015. Collection method: clinical testing. Allele origin: germline.

Labcorp Genetics (formerly Invitae), Labcorp
Classification: Uncertain significance. Last evaluated: 2024-02-23. Review status: criteria provided, single submitter. Criteria: Invitae Variant Classification Sherloc (09022015). Collection method: clinical testing. Allele origin: germline.
Comment: This sequence change replaces valine, which is neutral and non-polar, with methionine, which is neutral and non-polar, at codon 220 of the UPB1 protein (p.Val220Met). This variant is present in population databases (rs143521220, gnomAD 0.01%). This variant has not been reported in the literature in individuals affected with UPB1-related conditions. ClinVar contains an entry for this variant (Variation ID: 1915883). Advanced modeling of protein sequence and biophysical properties (such as structural, functional, and spatial information, amino acid conservation, physicochemical variation, residue mobility, and thermodynamic stability) performed at Invitae indicates that this missense variant is expected to disrupt UPB1 protein function with a positive predictive value of 80%. In summary, the available evidence is currently insufficient to determine the role of this variant in disease. Therefore, it has been classified as a Variant of Uncertain Significance.

NM_016327.3(UPB1):c.658G>A (p.Val220Met)

Gene: UPB1 (beta-ureidopropionase 1; plus strand). Cytogenetic location: 22q11.23.
Variant type: single nucleotide variant.
Coding change: c.658G>A on transcript NM_016327.3 (MANE Select); coding-DNA position 658, G replaced by A.
Protein change: p.Val220Met; replaces valine 220 with methionine.
Molecular consequence: missense variant.
Genome position (GRCh38, 1-based): chr22:24,515,237, G>A. VCF-style: chr22-24515237-G-A. GRCh37 (hg19) VCF-style: chr22-24911205-G-A.
Other names: c.658G>A (NM_016327.2); short protein forms V220M.
Identifiers: ClinVar variation 1915883 (VCV001915883.6), dbSNP rs143521220, ClinGen allele CA10153300.